The following is an entry in ClinVar:

ClinVar aggregate classification (germline): Likely pathogenic (1 of 4 stars; one submission).

Submission:

Mayo Clinic Laboratories, Mayo Clinic
Classification: Likely pathogenic. Last evaluated: 2025-10-23. Review status: criteria provided, single submitter. Criteria: ACMG Guidelines, 2015. Collection method: clinical testing. Allele origin: germline. Observed: 2 variant alleles.
Comment: PM2_supporting, PVS1

NM_015175.3(NBEAL2):c.2440C>T (p.Gln814Ter)

Gene: NBEAL2 (neurobeachin like 2; plus strand). Cytogenetic location: 3p21.31.
Variant type: single nucleotide variant.
Coding change: c.2440C>T on transcript NM_015175.3 (MANE Select); coding-DNA position 2440, C replaced by T.
Protein change: p.Gln814Ter; replaces glutamine 814 with a stop codon.
Molecular consequence: nonsense.
Genome position (GRCh38, 1-based): chr3:46,996,559, C>T. VCF-style: chr3-46996559-C-T. GRCh37 (hg19) VCF-style: chr3-47038049-C-T.
Other names: p.Gln814*; c.2338C>T, p.Gln780Ter (NM_001365116.2); short protein forms Q780*, Q814*.
Identifiers: ClinVar variation 3380968 (VCV003380968.2).